The following is an entry in ClinVar:

NM_032119.4(ADGRV1):c.9703G>A (p.Val3235Met)

Gene: ADGRV1 (adhesion G protein-coupled receptor V1; plus strand). Cytogenetic location: 5q14.3.
Variant type: single nucleotide variant.
Coding change: c.9703G>A on transcript NM_032119.4 (MANE Select); coding-DNA position 9703, G replaced by A.
Protein change: p.Val3235Met; replaces valine 3235 with methionine.
Molecular consequence: missense variant. On other transcripts: non-coding transcript variant (1).
Genome position (GRCh38, 1-based): chr5:90,721,014, G>A. VCF-style: chr5-90721014-G-A. GRCh37 (hg19) VCF-style: chr5-90016831-G-A.
Other names: c.9703G>A (NM_032119.3); short protein forms V3235M.
Identifiers: ClinVar variation 1481568 (VCV001481568.7), dbSNP rs766018282, ClinGen allele CA3340577.

ClinVar aggregate classification (germline): Uncertain significance. Review status: criteria provided, multiple submitters, no conflicts (2 of 4 stars). 3 submissions from 3 submitters: Uncertain significance (3). Last evaluated 2025-03-23.

Allele frequency attached by ClinVar (database versions not stated): gnomAD exomes below 0.00001; TOPMed below 0.00001; ExAC 0.00002.

Submissions (3):

GeneDx
Classification: Uncertain significance. Last evaluated: 2025-03-23. Review status: criteria provided, single submitter. Criteria: GeneDx Variant Classification Process June 2021. Collection method: clinical testing. Allele origin: germline. Affected: yes.
Comment: Not observed at significant frequency in large population cohorts (gnomAD); Has not been previously published as pathogenic or benign to our knowledge

Labcorp Genetics (formerly Invitae), Labcorp
Classification: Uncertain significance. Last evaluated: 2021-08-26. Review status: criteria provided, single submitter. Criteria: Invitae Variant Classification Sherloc (09022015). Collection method: clinical testing. Allele origin: germline.
Comment: This sequence change replaces valine with methionine at codon 3235 of the ADGRV1 protein (p.Val3235Met). The valine residue is highly conserved and there is a small physicochemical difference between valine and methionine. This variant is present in population databases (rs766018282, ExAC 0.02%). This variant has not been reported in the literature in individuals affected with ADGRV1-related conditions. Algorithms developed to predict the effect of missense changes on protein structure and function are either unavailable or do not agree on the potential impact of this missense change (SIFT: "Deleterious"; PolyPhen-2: "Probably Damaging"; Align-GVGD: "Class C0"). In summary, the available evidence is currently insufficient to determine the role of this variant in disease. Therefore, it has been classified as a Variant of Uncertain Significance.

Blueprint Genetics
Classification: Uncertain significance. Last evaluated: 2020-04-08. Review status: criteria provided, single submitter. Criteria: ACMG Guidelines, 2015. Collection method: clinical testing. Allele origin: germline.